The following is an entry in ClinVar:

ClinVar aggregate classification (germline): Uncertain significance (1 of 4 stars; one submission).

Conditions:
Neuronal ceroid lipofuscinosis. Also called: Neuronal Ceroid Lipofuscinoses. Identifiers: Orphanet 216, Orphanet 79263, MedGen C0027877, MONDO:0016295. Disease mechanism: loss of function.

Submission:

Labcorp Genetics (formerly Invitae), Labcorp
Classification: Uncertain significance for Neuronal ceroid lipofuscinosis. Last evaluated: 2021-08-24. Review status: criteria provided, single submitter. Criteria: Invitae Variant Classification Sherloc (09022015). Collection method: clinical testing. Allele origin: germline.
Comment: This sequence change replaces serine with leucine at codon 87 of the CLN3 protein (p.Ser87Leu). The serine residue is moderately conserved and there is a large physicochemical difference between serine and leucine. This variant is not present in population databases (ExAC no frequency). This variant has not been reported in the literature in individuals affected with CLN3-related conditions. Algorithms developed to predict the effect of missense changes on protein structure and function are either unavailable or do not agree on the potential impact of this missense change (SIFT: "Tolerated"; PolyPhen-2: "Possibly Damaging"; Align-GVGD: "Class C0"). In summary, the available evidence is currently insufficient to determine the role of this variant in disease. Therefore, it has been classified as a Variant of Uncertain Significance.

NM_001042432.2(CLN3):c.260C>T (p.Ser87Leu)

Gene: CLN3 (CLN3 lysosomal/endosomal transmembrane protein, battenin; minus strand). Cytogenetic location: 16p12.1.
Variant type: single nucleotide variant.
Coding change: c.260C>T on transcript NM_001042432.2 (MANE Select); coding-DNA position 260, C replaced by T.
Protein change: p.Ser87Leu; replaces serine 87 with leucine.
Molecular consequence: missense variant. On other transcripts: intron variant (2).
Genome position (GRCh38, 1-based): chr16:28,488,625, G>A on the plus strand (C>T on the coding strand, the complement: CLN3 is on the minus strand). VCF-style: chr16-28488625-G-A. GRCh37 (hg19) VCF-style: chr16-28499946-G-A.
Other names: c.260C>T, p.Ser87Leu (NM_000086.2); c.40C>T, p.His14Tyr (NM_001286105.2); c.98C>T, p.Ser33Leu (NM_001286110.2); c.60+665C>T (NM_001286109.2); c.222+665C>T (NM_001286104.2); short protein forms S33L, H14Y, S87L.
Identifiers: ClinVar variation 1461367 (VCV001461367.5), dbSNP rs2141717001, ClinGen allele CA395346264.